The following is an entry in ClinVar:

NM_001128425.2(MUTYH):c.158-1G>A

Gene: MUTYH (mutY DNA glycosylase; minus strand). Cytogenetic location: 1p34.1.
Variant type: single nucleotide variant.
Coding change: c.158-1G>A on transcript NM_001128425.2 (MANE Plus Clinical); the canonical splice acceptor site of the intron before coding-DNA position 158, G replaced by A.
Molecular consequence: splice acceptor variant. On other transcripts: 5 prime UTR variant (1), intron variant (28).
Genome position (GRCh38, 1-based): chr1:45,333,604, C>T on the plus strand (G>A on the coding strand, the complement: MUTYH is on the minus strand). VCF-style: chr1-45333604-C-T. GRCh37 (hg19) VCF-style: chr1-45799276-C-T.
Other names: c.-12G>A (NM_001407075.1); c.116-43G>A (NM_001407072.1, NM_001048171.2, NM_001407070.1 and 7 more transcripts); c.-92-107G>A (NM_001350651.2, NM_001407082.1); c.-97-107G>A (NM_001293192.2, NM_001293196.2, NM_001407091.1); c.-156-43G>A (NM_001350650.2); c.158-43G>A (NM_001407073.1); c.158-40G>A (NM_001293190.2); c.158-10G>A (NM_001407069.1, NM_012222.3); and 4 more.
Identifiers: ClinVar variation 1775713 (VCV001775713.2), dbSNP rs2524293203, ClinGen allele CA340136872.

ClinVar aggregate classification (germline): Uncertain significance (1 of 4 stars; one submission).

Conditions:
Hereditary cancer-predisposing syndrome. Also called: Neoplastic Syndromes, Hereditary; Tumor predisposition; Hereditary Cancer Syndrome; Hereditary neoplastic syndrome. Identifiers: Orphanet 140162, MedGen C0027672, MeSH D009386, MONDO:0015356.

Submission:

Ambry Genetics
Classification: Uncertain significance for Hereditary cancer-predisposing syndrome. Last evaluated: 2022-07-13. Review status: criteria provided, single submitter. Criteria: Ambry Variant Classification Scheme 2023. Collection method: clinical testing. Allele origin: germline.
Comment: The c.158-1G>A intronic variant results from a G to A substitution one nucleotide upstream from coding exon 3 of the MUTYH gene. This nucleotide position is well conserved on limited sequence alignment. In silico splice site analysis predicts that this alteration will not have any significant effect on splicing. RNA studies have demonstrated that this alteration results in an incomplete splice defect involving exons excluded from naturally occurring transcripts; the clinical impact of this abnormal splicing is unknown at this time (Ambry internal data). Since supporting evidence is limited at this time, the clinical significance of this alteration remains unclear.